The following is an entry in ClinVar:

NM_152468.5(TMC8):c.883_889del (p.Arg295fs)

Gene: TMC8 (transmembrane channel like 8; plus strand). Cytogenetic location: 17q25.3.
Variant type: Deletion.
Coding change: c.883_889del on transcript NM_152468.5 (MANE Select); coding-DNA positions 883 to 889, 7 bases deleted (CGCCTGC; older notation c.883_889delCGCCTGC).
Protein change: p.Arg295fs; shifts the reading frame from arginine 295.
Molecular consequence: frameshift variant.
Genome position (GRCh38, 1-based): chr17:78,134,460-78,134,466, CGCCTGC deleted; deleting any 7 consecutive bases within chr17:78,134,454-78,134,466 gives the same sequence; the c. name uses the placement nearest the transcript's 3' end. VCF-style (leftmost placement, unchanged base first): chr17-78134453-GGCCTGCC-G. GRCh37 (hg19) VCF-style: chr17-76130534-GGCCTGCC-G.
Other names: short protein forms R295fs.
Identifiers: ClinVar variation 2444390 (VCV002444390.4), dbSNP rs2510788991, ClinGen allele CA2580095263.

ClinVar aggregate classification (germline): Pathogenic. Review status: criteria provided, multiple submitters, no conflicts (2 of 4 stars). 2 submissions from 2 submitters: Pathogenic (2). Last evaluated 2023-09-22.

Conditions:
Epidermodysplasia verruciformis, susceptibility to, 2. Also called: Epidermodysplasia verruciformis 2. Identifiers: MedGen C4722258, MONDO:0032614, OMIM 618231.
Epidermodysplasia verruciformis. Identifiers: Orphanet 302, MedGen C0014522, MONDO:0009176.

Submissions (2):

Labcorp Genetics (formerly Invitae), Labcorp
Classification: Pathogenic for Epidermodysplasia verruciformis. Last evaluated: 2023-09-22. Review status: criteria provided, single submitter. Criteria: Invitae Variant Classification Sherloc (09022015). Collection method: clinical testing. Allele origin: germline.
Comment: This sequence change creates a premature translational stop signal (p.Arg295Serfs*78) in the TMC8 gene. It is expected to result in an absent or disrupted protein product. Loss-of-function variants in TMC8 are known to be pathogenic (PMID: 12426567, 22158547). This variant is not present in population databases (gnomAD no frequency). This variant has not been reported in the literature in individuals affected with TMC8-related conditions. ClinVar contains an entry for this variant (Variation ID: 2444390). For these reasons, this variant has been classified as Pathogenic.

3billion
Classification: Pathogenic for Epidermodysplasia verruciformis, susceptibility to, 2. Last evaluated: 2023-02-23. Review status: criteria provided, single submitter. Criteria: ACMG Guidelines, 2015. Collection method: clinical testing. Allele origin: unknown. Affected: yes.
Comment: The variant is not observed in the gnomAD v2.1.1 dataset. This variant was predicted to result in a loss or disruption of normal protein function through nonsense-mediated decay (NMD) or protein truncation. Multiple pathogenic variants are reported downstream of the variant. Therefore, this variant is classified as Pathogenic according to the recommendation of ACMG/AMP guideline.

Literature cited by the submitters: PubMed 12426567 (cited by Labcorp Genetics (formerly Invitae), Labcorp); PubMed 22158547 (cited by Labcorp Genetics (formerly Invitae), Labcorp).